The following is an entry in ClinVar:

NM_001558.4(IL10RA):c.1693C>A (p.Leu565Met)

Gene: IL10RA (interleukin 10 receptor subunit alpha; plus strand). Cytogenetic location: 11q23.3.
Variant type: single nucleotide variant.
Coding change: c.1693C>A on transcript NM_001558.4 (MANE Select); coding-DNA position 1693, C replaced by A.
Protein change: p.Leu565Met; replaces leucine 565 with methionine.
Molecular consequence: missense variant. On other transcripts: non-coding transcript variant (1).
Genome position (GRCh38, 1-based): chr11:117,999,597, C>A. VCF-style: chr11-117999597-C-A. GRCh37 (hg19) VCF-style: chr11-117870312-C-A.
Other names: short protein forms L565M.
Identifiers: ClinVar variation 639839 (VCV000639839.7), dbSNP rs375201461, ClinGen allele CA6299224.

ClinVar aggregate classification (germline): Uncertain significance (1 of 4 stars; one submission).

Conditions:
Inflammatory bowel disease 28. Also called: Inflammatory bowel disease 28, early onset, autosomal recessive. Identifiers: Orphanet 238569, MedGen C2751053, MONDO:0013153, OMIM 613148.

Allele frequency attached by ClinVar (database versions not stated): TOPMed 0.00002; gnomAD 0.00004 and 0.00005; ExAC 0.00010; 1000 Genomes Project 30x 0.00031; 1000 Genomes Project 0.00040.
gnomAD v4.1: 33 of 1,614,184 alleles (0.002%); highest among the groups gnomAD compares: East Asian, 0.051%; no homozygotes.

Submission:

Labcorp Genetics (formerly Invitae), Labcorp
Classification: Uncertain significance for Inflammatory bowel disease 28. Last evaluated: 2025-01-01. Review status: criteria provided, single submitter. Criteria: Invitae Variant Classification Sherloc (09022015). Collection method: clinical testing. Allele origin: germline.
Comment: This sequence change replaces leucine, which is neutral and non-polar, with methionine, which is neutral and non-polar, at codon 565 of the IL10RA protein (p.Leu565Met). This variant is present in population databases (rs375201461, gnomAD 0.1%). This variant has not been reported in the literature in individuals affected with IL10RA-related conditions. ClinVar contains an entry for this variant (Variation ID: 639839). Invitae Evidence Modeling of protein sequence and biophysical properties (such as structural, functional, and spatial information, amino acid conservation, physicochemical variation, residue mobility, and thermodynamic stability) indicates that this missense variant is not expected to disrupt IL10RA protein function with a negative predictive value of 80%. In summary, the available evidence is currently insufficient to determine the role of this variant in disease. Therefore, it has been classified as a Variant of Uncertain Significance.